The following continues an entry in ClinVar:

NM_007294.4(BRCA1):c.536A>G (p.Tyr179Cys)

Gene: BRCA1. ClinVar aggregate classification (germline): Benign. Benign (1).

Submissions 21 to 40 of 40:

Fulgent Genetics
Classification: Likely benign for Breast-ovarian cancer, familial, susceptibility to, 1. Last evaluated: 2015-09-01. Review status: criteria provided, single submitter. Criteria: ACMG Guidelines, 2015. Collection method: clinical testing. Allele origin: unknown. Inheritance: Autosomal dominant inheritance. Not counted in ClinVar's aggregate classification.

Eurofins Ntd Llc (ga)
Classification: Likely benign. Last evaluated: 2015-08-04. Review status: criteria provided, single submitter. Criteria: EGL Classification Definitions 2015. Collection method: clinical testing. Allele origin: germline. Observed: 1 variant allele, 1 heterozygote. Not counted in ClinVar's aggregate classification.

Color Diagnostics, LLC DBA Color Health
Classification: Likely benign for Hereditary cancer-predisposing syndrome. Last evaluated: 2014-12-15. Review status: criteria provided, single submitter. Criteria: ACMG Guidelines, 2015. Collection method: clinical testing. Allele origin: germline. Not counted in ClinVar's aggregate classification.

Ambry Genetics
Classification: Benign for Hereditary cancer-predisposing syndrome. Last evaluated: 2014-11-18. Review status: criteria provided, single submitter. Criteria: Ambry Variant Classification Scheme 2023. Collection method: clinical testing. Allele origin: germline. Not counted in ClinVar's aggregate classification.

GeneDx
Classification: Benign. Last evaluated: 2014-01-22. Review status: criteria provided, single submitter. Criteria: GeneDx Variant Classification (06012015). Collection method: clinical testing. Allele origin: germline. Affected: yes. Not counted in ClinVar's aggregate classification.
Comment: This variant is considered likely benign or benign based on one or more of the following criteria: it is a conservative change, it occurs at a poorly conserved position in the protein, it is predicted to be benign by multiple in silico algorithms, and/or has population frequency not consistent with disease.

Breakthrough Genomics
Classification: Benign. Review status: criteria provided, single submitter. Criteria: ACMG Guidelines, 2015. Collection method: not provided. Allele origin: germline. Inheritance: Autosomal recessive inheritance. Affected: yes. Not counted in ClinVar's aggregate classification.

Institute for Biomarker Research, Medical Diagnostic Laboratories, L.L.C.
Classification: Likely benign for Hereditary breast ovarian cancer syndrome. Last evaluated: 2022-04-07. Review status: no assertion criteria provided. Collection method: clinical testing. Allele origin: germline. Not counted in ClinVar's aggregate classification.

BRCAlab, Lund University
Classification: Benign for Breast-ovarian cancer, familial, susceptibility to, 1. Last evaluated: 2020-03-02. Review status: no assertion criteria provided. Collection method: clinical testing. Allele origin: germline. Affected: yes. Not counted in ClinVar's aggregate classification.

True Health Diagnostics
Classification: Likely benign for Hereditary cancer-predisposing syndrome. Last evaluated: 2018-04-05. Review status: no assertion criteria provided. Collection method: clinical testing. Allele origin: germline. Not counted in ClinVar's aggregate classification.

Mayo Clinic Laboratories, Mayo Clinic
Classification: Benign. Last evaluated: 2017-08-01. Review status: no assertion criteria provided. Collection method: clinical testing. Allele origin: unknown. Not counted in ClinVar's aggregate classification.

Counsyl
Classification: Likely benign for Breast-ovarian cancer, familial 1. Last evaluated: 2014-04-07. Review status: no assertion criteria provided. Collection method: literature only. Allele origin: unknown. Inheritance: Autosomal dominant inheritance. Not counted in ClinVar's aggregate classification.

Research Molecular Genetics Laboratory, Women's College Hospital, University of Toronto
Classification: Benign. Last evaluated: 2014-01-31. Review status: no assertion criteria provided. Collection method: research. Allele origin: germline. Affected: yes. Study: The Canadian Open Genetics Repository (COGR). Not counted in ClinVar's aggregate classification.

Sharing Clinical Reports Project (SCRP)
Classification: Benign for Breast-ovarian cancer, familial 1. Last evaluated: 2012-05-01. Review status: no assertion criteria provided. Collection method: clinical testing. Allele origin: germline. Not counted in ClinVar's aggregate classification.

Breast Cancer Information Core (BIC) (BRCA1)
Classification: Uncertain significance for Breast-ovarian cancer, familial 1. Last evaluated: 2002-05-29. Review status: no assertion criteria provided. Collection method: clinical testing. Allele origin: germline. Affected: yes. Observed: 54 variant alleles. Not counted in ClinVar's aggregate classification.

Clinical Genetics DNA and cytogenetics Diagnostics Lab, Erasmus MC, Erasmus Medical Center
Classification: Benign. Review status: no assertion criteria provided. Collection method: clinical testing. Allele origin: germline. Affected: yes. Study: VKGL Data-share Consensus. Not counted in ClinVar's aggregate classification.

Clinical Genetics Laboratory, Department of Pathology, Netherlands Cancer Institute
Classification: Benign. Review status: no assertion criteria provided. Collection method: clinical testing. Allele origin: germline. Affected: yes. Study: VKGL Data-share Consensus. Not counted in ClinVar's aggregate classification.

Department of Pathology and Laboratory Medicine, Sinai Health System
Classification: Benign for Malignant tumor of breast. Review status: no assertion criteria provided. Collection method: clinical testing. Allele origin: unknown. Affected: yes. Study: The Canadian Open Genetics Repository (COGR). Not counted in ClinVar's aggregate classification.
Comment: The p.Tyr179Cys variant has been identified in 11 of 5342 proband chromosomes (frequency 0.002) in individuals with breast or ovarian cancers (Akbari 2011, Augello 2006, Caligo 2008, Diez 2003, Jalkh 2012, Russo 2007, Solano 2012) and was absent in 400 control chromosomes from these studies. Myriad reports this variant as a polymorphism, and Exome Server Project reports a frequency of 0.0003 in European American alleles, and 0.0002 in African American alleles. This variant has been also been reported in dbSNP (ID: rs56187033) â€šÃ„Ãºwith non-pathogenic alleleâ€šÃ„Ã¹, in the BIC database 54X as a variant of unknown clinical importance, and in UMD 27X as a neutral variant which co-occurred with pathogenic mutations in BRCA1 or BRCA2 four times (BRCA1 c.2043dup (p.Asn682X), BRCA1 c.191G>A (p.Cys64Tyr), BRCA2 c.6082_6086delGAAGA (p.Glu2028LysfsX19), BRCA2 c.5909C>A (p.Ser1970X)). The p.Tyr179 residue is conserved in mammals; however, computational analyses (PolyPhen2, SIFT, AlignGVGD) provide inconsistent predictions regarding the impact to the protein, and this information is not very predictive of pathogenicity. Functional studies on the p.Tyr179Cys variant have suggested that it may have a deleterious effect on BRCA1 function, in assays evaluating its effect in homologous repair (Caligo 2008, Di Cecco 2009), non-homologous end-joining (Guidugli 2011), interaction of BRCA1 with Filamin A (Velkova 2010), and accumulation of BRCA1 at double-strand breaks (Wei 2008). Many studies have identified the p.Tyr179Cys variant co-occurring with two other BRCA1 variants, p.Phe486Lys and p.Asn550His, in individuals with breast or ovarian cancers (Augello 2006, Caligo 2008, Diez 2003, Jalkh 2012), suggesting that together they constitute a rare haplotype (Tavtigian 2006). Furthermore, Augello (2006) identified these three mutations in three members of one family indicating that they exist in cis, and suggests that the presence of the three variants might produce an effect on the conformation of the protein and, consequently, on its function. In summary, this variant meets our laboratory's criteria to be classified as benign.

Diagnostic Laboratory, Department of Genetics, University Medical Center Groningen
Classification: Benign for Breast-ovarian cancer, familial, susceptibility to, 1. Review status: no assertion criteria provided. Collection method: clinical testing. Allele origin: germline. Affected: yes. Study: VKGL Data-share Consensus. Not counted in ClinVar's aggregate classification.

Joint Genome Diagnostic Labs from Nijmegen and Maastricht, Radboudumc and MUMC+
Classification: Benign. Review status: no assertion criteria provided. Collection method: clinical testing. Allele origin: germline. Affected: yes. Study: VKGL Data-share Consensus. Not counted in ClinVar's aggregate classification.

Laboratory of Diagnostic Genome Analysis, Leiden University Medical Center (LUMC)
Classification: Benign. Review status: no assertion criteria provided. Collection method: clinical testing. Allele origin: germline. Affected: yes. Study: VKGL Data-share Consensus. Not counted in ClinVar's aggregate classification.

Literature cited by the submitters: PubMed 21990134 (cited by Evidence-based Network for the Interpretation of Germline Mutant Alleles (ENIGMA) and Quest Diagnostics Nichols Institute San Juan Capistrano); PubMed 24312913 (cited by Quest Diagnostics Nichols Institute San Juan Capistrano); PubMed 22713736 (cited by Quest Diagnostics Nichols Institute San Juan Capistrano and Counsyl); PubMed 21603858 (cited by Quest Diagnostics Nichols Institute San Juan Capistrano and Counsyl); PubMed 18176857 (cited by Quest Diagnostics Nichols Institute San Juan Capistrano and Counsyl); PubMed 16760288 (cited by 3 submitters); PubMed 16014699 (cited by 3 submitters); PubMed 18680205 (cited by 3 submitters); PubMed 18375895 (cited by 3 submitters); PubMed 19493677 (cited by Quest Diagnostics Nichols Institute San Juan Capistrano and Counsyl); PubMed 17279547 (cited by 3 submitters); PubMed 15829246 (cited by Quest Diagnostics Nichols Institute San Juan Capistrano and Counsyl); PubMed 16267036 (cited by 3 submitters); PubMed 12955716 (cited by 3 submitters); PubMed 18798010 (cited by Quest Diagnostics Nichols Institute San Juan Capistrano and Counsyl); PubMed 12774040 (cited by 3 submitters); PubMed 17221156 (cited by Quest Diagnostics Nichols Institute San Juan Capistrano and Counsyl); PubMed 18936166 (cited by Quest Diagnostics Nichols Institute San Juan Capistrano and Counsyl); PubMed 22505045 (cited by Quest Diagnostics Nichols Institute San Juan Capistrano); PubMed 23161852 (cited by Quest Diagnostics Nichols Institute San Juan Capistrano and Counsyl); PubMed 23231788 (cited by Quest Diagnostics Nichols Institute San Juan Capistrano and Counsyl); PubMed 21965345 (cited by Quest Diagnostics Nichols Institute San Juan Capistrano and Counsyl); PubMed 20960228 (cited by Quest Diagnostics Nichols Institute San Juan Capistrano and Counsyl); PubMed 20737206 (cited by 3 submitters); PubMed 20305393 (cited by Quest Diagnostics Nichols Institute San Juan Capistrano and Counsyl); PubMed 33471991 (cited by Quest Diagnostics Nichols Institute San Juan Capistrano); PubMed 33087888 (cited by Quest Diagnostics Nichols Institute San Juan Capistrano); PubMed 32599251 (cited by Quest Diagnostics Nichols Institute San Juan Capistrano); PubMed 31851867 (cited by Quest Diagnostics Nichols Institute San Juan Capistrano); PubMed 30283497 (cited by Quest Diagnostics Nichols Institute San Juan Capistrano); PubMed 25782689 (cited by Quest Diagnostics Nichols Institute San Juan Capistrano); PubMed 25569433 (cited by Quest Diagnostics Nichols Institute San Juan Capistrano); PubMed 26689913 (cited by Quest Diagnostics Nichols Institute San Juan Capistrano); PubMed 25556971 (cited by Quest Diagnostics Nichols Institute San Juan Capistrano); PubMed 25814778 (cited by Quest Diagnostics Nichols Institute San Juan Capistrano); PubMed 25948282 (cited by Quest Diagnostics Nichols Institute San Juan Capistrano); PubMed 26183948 (cited by Quest Diagnostics Nichols Institute San Juan Capistrano); PubMed 26306726 (cited by Quest Diagnostics Nichols Institute San Juan Capistrano); PubMed 27844240 (cited by Quest Diagnostics Nichols Institute San Juan Capistrano); PubMed 18415037 (cited by Quest Diagnostics Nichols Institute San Juan Capistrano); PubMed 26381082 (cited by Quest Diagnostics Nichols Institute San Juan Capistrano); PubMed 21702907 (cited by Counsyl); PubMed 2505045 (cited by Counsyl); PubMed 20104584 (cited by Counsyl); PubMed 12491499 (cited by Counsyl).